The following is an entry in ClinVar:

ClinVar aggregate classification (germline): Uncertain significance. Review status: criteria provided, multiple submitters, no conflicts (2 of 4 stars). 2 submissions from 2 submitters: Uncertain significance (2). Last evaluated 2025-04-05.

Conditions:
COL4A2-related disorder. Also called: COL4A2-related disorders; COL4A2-related condition.

Submissions (2):

PreventionGenetics, part of Exact Sciences
Classification: Uncertain significance for COL4A2-related condition. Last evaluated: 2025-04-05. Review status: criteria provided, single submitter. Criteria: ACMG Guidelines, 2015. Collection method: clinical testing. Allele origin: germline.
Comment: The COL4A2 c.1244C>T variant is predicted to result in the amino acid substitution p.Pro415Leu. To our knowledge, this variant has not been reported in the literature or in a large population database (gnomAD), indicating this variant is rare. At this time, the clinical significance of this variant is uncertain due to the absence of conclusive functional and genetic evidence.

GeneDx
Classification: Uncertain significance. Last evaluated: 2024-05-15. Review status: criteria provided, single submitter. Criteria: GeneDx Variant Classification Process June 2021. Collection method: clinical testing. Allele origin: germline. Affected: yes.
Comment: Not observed at significant frequency in large population cohorts (gnomAD); In silico analysis supports that this missense variant has a deleterious effect on protein structure/function; Has not been previously published as pathogenic or benign to our knowledge

NM_001846.4(COL4A2):c.1244C>T (p.Pro415Leu)

Gene: COL4A2 (collagen type IV alpha 2 chain; plus strand). Cytogenetic location: 13q34.
Variant type: single nucleotide variant.
Coding change: c.1244C>T on transcript NM_001846.4 (MANE Select); coding-DNA position 1244, C replaced by T.
Protein change: p.Pro415Leu; replaces proline 415 with leucine.
Molecular consequence: missense variant.
Genome position (GRCh38, 1-based): chr13:110,450,359, C>T. VCF-style: chr13-110450359-C-T. GRCh37 (hg19) VCF-style: chr13-111102706-C-T.
Other names: c.1244C>T (NM_001846.2); short protein forms P415L.
Identifiers: ClinVar variation 3032130 (VCV003032130.4), dbSNP rs2502094991, ClinGen allele CA388734506.
Genomic context (GRCh38, chr13:110,450,359, plus strand): 5'-TTTCAGATCAGAGGAGAGGCCTGCCGGGTGAGATGGGACCCAAGGGCTTCATCGGAGACC[C>T]CGGCATCCCTGCGCTCTACGGGGGCCCACCTGGACCTGATGGAAAGCGAGGGCCTCCAGG-3'
Protein context (NP_001837.2, residues 405-425): EMGPKGFIGD[Pro415Leu]GIPALYGGPP